The following is an entry in ClinVar:

NM_024598.4(USB1):c.682C>G (p.Gln228Glu)

Gene: USB1 (U6 snRNA biogenesis phosphodiesterase 1; plus strand). Cytogenetic location: 16q21.
Variant type: single nucleotide variant.
Coding change: c.682C>G on transcript NM_024598.4 (MANE Select); coding-DNA position 682, C replaced by G.
Protein change: p.Gln228Glu; replaces glutamine 228 with glutamic acid.
Molecular consequence: missense variant.
Genome position (GRCh38, 1-based): chr16:58,019,044, C>G. VCF-style: chr16-58019044-C-G. GRCh37 (hg19) VCF-style: chr16-58052948-C-G.
Other names: c.628C>G, p.Gln210Glu (NM_001195302.2); c.529C>G, p.Gln177Glu (NM_001330568.2); short protein forms Q177E, Q210E, Q228E.
Identifiers: ClinVar variation 5031634 (VCV005031634.1).

ClinVar aggregate classification (germline): Uncertain significance (1 of 4 stars; one submission).

Conditions:
Inborn genetic diseases. Identifiers: MedGen C0950123, MeSH D030342.

Submission:

Ambry Genetics
Classification: Uncertain significance for Inborn genetic diseases. Last evaluated: 2026-09-09. Review status: criteria provided, single submitter. Criteria: Ambry Variant Classification Scheme 2023. Collection method: clinical testing. Allele origin: germline.
Comment: The p.Q228E variant (also known as c.682C>G), located in coding exon 6 of the USB1 gene, results from a C to G substitution at nucleotide position 682. The glutamine at codon 228 is replaced by glutamic acid, an amino acid with highly similar properties. This amino acid position is conserved. In addition, this alteration is predicted to be tolerated by in silico analysis. Based on the available evidence, the clinical significance of this variant remains unclear.